The following is an entry in ClinVar:

ClinVar aggregate classification (germline): Uncertain significance (1 of 4 stars; one submission).

Conditions:
Ataxia-telangiectasia syndrome (AT). Also called: Ataxia-telangiectasia, complementation group D; AT, COMPLEMENTATION GROUP C; ATAXIA-TELANGIECTASIA, COMPLEMENTATION GROUP A; ATAXIA-TELANGIECTASIA, FRESNO VARIANT; Ataxia-telangiectasia, complementation group E; LOUIS-BAR SYNDROME. Identifiers: Orphanet 100, MedGen C0004135, MONDO:0008840, OMIM 208900.

Submission:

Labcorp Genetics (formerly Invitae), Labcorp
Classification: Uncertain significance for Ataxia-telangiectasia syndrome. Last evaluated: 2022-05-27. Review status: criteria provided, single submitter. Criteria: Invitae Variant Classification Sherloc (09022015). Collection method: clinical testing. Allele origin: germline.
Comment: Advanced modeling of protein sequence and biophysical properties (such as structural, functional, and spatial information, amino acid conservation, physicochemical variation, residue mobility, and thermodynamic stability) performed at Invitae indicates that this missense variant is not expected to disrupt ATM protein function. Algorithms developed to predict the effect of sequence changes on RNA splicing suggest that this variant may disrupt the consensus splice site. In summary, the available evidence is currently insufficient to determine the role of this variant in disease. Therefore, it has been classified as a Variant of Uncertain Significance. This variant has not been reported in the literature in individuals affected with ATM-related conditions. This sequence change replaces lysine, which is basic and polar, with isoleucine, which is neutral and non-polar, at codon 2082 of the ATM protein (p.Lys2082Ile). This variant is not present in population databases (gnomAD no frequency).

NM_000051.4(ATM):c.6245A>T (p.Lys2082Ile)

Genes: ATM (ATM serine/threonine kinase; plus strand), C11orf65 (chromosome 11 open reading frame 65; minus strand). Cytogenetic location: 11q22.3.
Variant type: single nucleotide variant.
Coding change: c.6245A>T on transcript NM_000051.4 (MANE Select); coding-DNA position 6245, A replaced by T.
Protein change: p.Lys2082Ile; replaces lysine 2082 with isoleucine.
Molecular consequence: missense variant. On other transcripts: intron variant (2).
Genome position (GRCh38, 1-based): chr11:108,317,419, A>T. VCF-style: chr11-108317419-A-T. GRCh37 (hg19) VCF-style: chr11-108188146-A-T.
Other names: c.6245A>T, p.Lys2082Ile (NM_001351834.2); c.641-8348T>A (NM_001330368.2); c.*39-8348T>A (NM_001351110.2); short protein forms K2082I.
Identifiers: ClinVar variation 1999645 (VCV001999645.4), dbSNP rs2136164813, ClinGen allele CA382551800.